The following is an entry in ClinVar:

ClinVar aggregate classification (germline): Likely benign. Review status: criteria provided, multiple submitters, no conflicts (2 of 4 stars). 4 submissions from 3 submitters: Likely benign (4). Last evaluated 2023-11-04.

Conditions:
Retinitis pigmentosa 39 (RP39). Identifiers: Orphanet 791, MedGen C3151138, MONDO:0013436, OMIM 613809.
Usher syndrome type 2A. Also called: USHER SYNDROME, TYPE IIA; RETINAL DISEASE IN USHER SYNDROME TYPE IIA, MODIFIER OF. Identifiers: Orphanet 231178, Orphanet 886, MedGen C1848634, MONDO:0010169, OMIM 276901.

Allele frequency attached by ClinVar (database versions not stated): gnomAD exomes 0.00001.
gnomAD v4.1: 2 of 1,614,144 alleles (0.00012%); highest among the groups gnomAD compares: Admixed American, 0.0033%; no homozygotes.

Submissions (4):

Genome-Nilou Lab
Classification: Likely benign for Retinitis pigmentosa 39. Last evaluated: 2023-11-04. Review status: criteria provided, single submitter. Criteria: ACMG Guidelines, 2015. Collection method: clinical testing. Allele origin: germline. Affected: no.

Genome-Nilou Lab
Classification: Likely benign for Usher syndrome type 2A. Last evaluated: 2023-11-04. Review status: criteria provided, single submitter. Criteria: ACMG Guidelines, 2015. Collection method: clinical testing. Allele origin: germline. Affected: no.

Labcorp Genetics (formerly Invitae), Labcorp
Classification: Likely benign. Last evaluated: 2022-07-10. Review status: criteria provided, single submitter. Criteria: Invitae Variant Classification Sherloc (09022015). Collection method: clinical testing. Allele origin: germline.

GeneDx
Classification: Likely benign. Last evaluated: 2018-03-21. Review status: criteria provided, single submitter. Criteria: GeneDx Variant Classification (06012015). Collection method: clinical testing. Allele origin: germline. Affected: yes.
Comment: This variant is considered likely benign or benign based on one or more of the following criteria: it is a conservative change, it occurs at a poorly conserved position in the protein, it is predicted to be benign by multiple in silico algorithms, and/or has population frequency not consistent with disease.

NM_206933.4(USH2A):c.2643G>A (p.Gln881=)

Genes: USH2A (usherin; minus strand), LOC122152296 (Sharpr-MPRA regulatory region 8762; plus strand). Cytogenetic location: 1q41.
Variant type: single nucleotide variant.
Coding change: c.2643G>A on transcript NM_206933.4 (MANE Select); coding-DNA position 2643, G replaced by A.
Protein change: p.Gln881=; no amino-acid change (glutamine 881 retained).
Molecular consequence: synonymous variant.
Genome position (GRCh38, 1-based): chr1:216,246,751, C>T on the plus strand (G>A on the coding strand, the complement: USH2A is on the minus strand). VCF-style: chr1-216246751-C-T. GRCh37 (hg19) VCF-style: chr1-216420093-C-T.
Other names: c.2643G>A, p.Gln881= (NM_007123.6).
Identifiers: ClinVar variation 680395 (VCV000680395.7), dbSNP rs1286317611, ClinGen allele CA423322760.
Genomic context (GRCh38, chr1:216,246,751, plus strand): 5'-CTCACACATCTGGCAGTGTTGAAAATTGTCAATGGTCAAATTGTACCTGTGAGGCTCACA[C>T]TGATTACAGCGAAGACCTGTTACCCCTAATTTGCAAGGACATTGTCCTGTTGATTTGTTA-3'
Protein context (NP_996816.3, residues 871-891): KLGVTGLRCN[Gln881=]CEPHRYNLTI